The following is an entry in ClinVar:

NM_001854.4(COL11A1):c.3335_3336inv (p.Leu1112Arg)

Gene: COL11A1 (collagen type XI alpha 1 chain; minus strand). Cytogenetic location: 1p21.1.
Variant type: Inversion.
Coding change: c.3335_3336inv on transcript NM_001854.4 (MANE Select).
Protein change: p.Leu1112Arg; replaces leucine 1112 with arginine.
Molecular consequence: missense variant. On other transcripts: non-coding transcript variant (1).
Genome position: GRCh38 VCF-style: chr1-102940375-GA-TC. GRCh37 (hg19) VCF-style: chr1-103405931-GA-TC.
Other names: c.3218_3219inv, p.Leu1073Arg (NM_001190709.2); c.3371_3372inv, p.Leu1124Arg (NM_080629.3); c.2987_2988inv, p.Leu996Arg (NM_080630.4); short protein forms L996R, L1124R, L1073R, L1112R.
Identifiers: ClinVar variation 1381365 (VCV001381365.5), ClinGen allele CA2573130881.

ClinVar aggregate classification (germline): Uncertain significance (1 of 4 stars; one submission).

Submission:

Labcorp Genetics (formerly Invitae), Labcorp
Classification: Uncertain significance. Last evaluated: 2021-09-15. Review status: criteria provided, single submitter. Criteria: Invitae Variant Classification Sherloc (09022015). Collection method: clinical testing. Allele origin: germline.
Comment: In summary, the available evidence is currently insufficient to determine the role of this variant in disease. Therefore, it has been classified as a Variant of Uncertain Significance. Experimental studies and prediction algorithms are not available or were not evaluated, and the functional significance of this variant is currently unknown. This variant has not been reported in the literature in individuals affected with COL11A1-related conditions. The frequency data for this variant in the population databases is not available, as this variant may be reported as separate entries in the ExAC database. This sequence change replaces leucine with arginine at codon 1112 of the COL11A1 protein (p.Leu1112Arg). The leucine residue is highly conserved and there is a moderate physicochemical difference between leucine and arginine.